The following is an entry in ClinVar:

NM_030962.4(SBF2):c.2804T>C (p.Leu935Ser)

Genes: SBF2 (SET binding factor 2; minus strand), LOC101928008 (uncharacterized LOC101928008; plus strand). Cytogenetic location: 11p15.4.
Variant type: single nucleotide variant.
Coding change: c.2804T>C on transcript NM_030962.4 (MANE Select); coding-DNA position 2804, T replaced by C.
Protein change: p.Leu935Ser; replaces leucine 935 with serine.
Molecular consequence: missense variant.
Genome position (GRCh38, 1-based): chr11:9,850,025, A>G on the plus strand (T>C on the coding strand, the complement: SBF2 is on the minus strand). VCF-style: chr11-9850025-A-G. GRCh37 (hg19) VCF-style: chr11-9871572-A-G.
Other names: c.2804T>C, p.Leu935Ser (NM_001386339.1); c.2675T>C, p.Leu892Ser (NM_001386342.1); short protein forms L935S, L892S.
Identifiers: ClinVar variation 1413766 (VCV001413766.8), dbSNP rs751248866, ClinGen allele CA5881457.

ClinVar aggregate classification (germline): Uncertain significance (1 of 4 stars; one submission).

Conditions:
Charcot-Marie-Tooth disease type 4. Also called: Charcot-Marie-Tooth, Type 4; Charcot-Marie-Tooth disease, type IV. Identifiers: Orphanet 64749, MedGen C4082197, MONDO:0018995.

Allele frequency attached by ClinVar (database versions not stated): gnomAD 0.00001; TOPMed 0.00001; gnomAD exomes 0.00002 and 0.00003; ExAC 0.00003.
gnomAD v4.1: 10 of 1,613,618 alleles (0.00062%); highest among the groups gnomAD compares: Non-Finnish European, 0.00085%; no homozygotes.

Submission:

Labcorp Genetics (formerly Invitae), Labcorp
Classification: Uncertain significance for Charcot-Marie-Tooth disease type 4. Last evaluated: 2020-12-21. Review status: criteria provided, single submitter. Criteria: Invitae Variant Classification Sherloc (09022015). Collection method: clinical testing. Allele origin: germline.
Comment: In summary, the available evidence is currently insufficient to determine the role of this variant in disease. Therefore, it has been classified as a Variant of Uncertain Significance. Algorithms developed to predict the effect of missense changes on protein structure and function do not agree on the potential impact of this missense change (SIFT: "Tolerated"; PolyPhen-2: "Probably Damaging"; Align-GVGD: "Class C0"). This variant has not been reported in the literature in individuals with SBF2-related disease. This variant is present in population databases (rs751248866, ExAC 0.006%). This sequence change replaces leucine with serine at codon 935 of the SBF2 protein (p.Leu935Ser). The leucine residue is highly conserved and there is a large physicochemical difference between leucine and serine.